The following is an entry in ClinVar:

NM_173495.3(PTCHD1):c.1576T>A (p.Ser526Thr)

Gene: PTCHD1 (patched domain containing 1; plus strand). Cytogenetic location: Xp22.11.
Variant type: single nucleotide variant.
Coding change: c.1576T>A on transcript NM_173495.3 (MANE Select); coding-DNA position 1576, T replaced by A.
Protein change: p.Ser526Thr; replaces serine 526 with threonine.
Molecular consequence: missense variant.
Genome position (GRCh38, 1-based): chrX:23,393,094, T>A. VCF-style: chrX-23393094-T-A. GRCh37 (hg19) VCF-style: chrX-23411211-T-A.
Other names: short protein forms S526T.
Identifiers: ClinVar variation 4882361 (VCV004882361.2).

ClinVar aggregate classification (germline): Uncertain significance (1 of 4 stars; one submission).

Conditions:
Autism, susceptibility to, X-linked 4 (AUTSX4). Identifiers: MedGen C0795888, MONDO:0010440, OMIM 300830.

Submission:

Dasa
Classification: Uncertain significance for Autism, susceptibility to, X-linked 4. Last evaluated: 2025-09-18. Review status: criteria provided, single submitter. Criteria: DASA Assertion Criteria. Collection method: clinical testing. Allele origin: germline.
Comment: NM_173495.3(PTCHD1):c.1576T>A (p.Ser526Thr) is a missense variant that results in the substitution of serine with threonine. This variant is absent from population databases. The currently available literature and clinical evidence are not sufficient to establish a definitive association between this variant and the reported condition. Therefore, this variant is classified as a variant of uncertain significance.